The following is an entry in ClinVar:

ClinVar aggregate classification (germline): Conflicting classifications of pathogenicity. Review status: criteria provided, conflicting classifications (1 of 4 stars). 4 submissions from 4 submitters: Likely pathogenic (3); Uncertain significance (1). Last evaluated 2026-01-14.

Conditions:
Dyskeratosis congenita. Identifiers: Orphanet 1775, MedGen C0265965, MONDO:0015780.
Cerebroretinal microangiopathy with calcifications and cysts 1 (CRMCC1). Identifiers: Orphanet 313838, MedGen C4552029, MONDO:0024564, OMIM 612199.
Inborn genetic diseases. Identifiers: MedGen C0950123, MeSH D030342.

Allele frequency attached by ClinVar (database versions not stated): gnomAD exomes below 0.00001; gnomAD 0.00001; TOPMed 0.00002.
gnomAD v4.1: 4 of 1,613,572 alleles (0.00025%); highest among the groups gnomAD compares: Admixed American, 0.005%; no homozygotes.

Submissions (4):

GeneDx
Classification: Likely pathogenic. Last evaluated: 2026-01-14. Review status: criteria provided, single submitter. Criteria: GeneDx Variant Classification Process June 2021. Collection method: clinical testing. Allele origin: germline.
Comment: Canonical splice site variant predicted to result in a null allele in a gene for which loss-of-function is a known mechanism of disease; Not observed at significant frequency in large population cohorts (gnomAD); Has not been previously published as pathogenic or benign to our knowledge

Labcorp Genetics (formerly Invitae), Labcorp
Classification: Likely pathogenic for Dyskeratosis congenita. Last evaluated: 2026-01-04. Review status: criteria provided, single submitter. Criteria: Invitae Variant Classification Sherloc (09022015). Collection method: clinical testing. Allele origin: germline.
Comment: This sequence change affects a donor splice site in intron 13 of the CTC1 gene. It is expected to disrupt RNA splicing. Variants that disrupt the donor or acceptor splice site typically lead to a loss of protein function (PMID: 16199547), and loss-of-function variants in CTC1 are known to be pathogenic (PMID: 22267198, 22387016). This variant is not present in population databases (gnomAD no frequency). This variant has not been reported in the literature in individuals affected with CTC1-related conditions. ClinVar contains an entry for this variant (Variation ID: 1067575). Algorithms developed to predict the effect of sequence changes on RNA splicing suggest that this variant may disrupt the consensus splice site. In summary, the currently available evidence indicates that the variant is pathogenic, but additional data are needed to prove that conclusively. Therefore, this variant has been classified as Likely Pathogenic.

Women's Health and Genetics/Laboratory Corporation of America, LabCorp
Classification: Likely pathogenic for Cerebroretinal microangiopathy with calcifications and cysts 1. Last evaluated: 2025-03-13. Review status: criteria provided, single submitter. Criteria: LabCorp Variant Classification Summary - May 2015. Collection method: clinical testing. Allele origin: germline.
Comment: Variant summary: CTC1 c.2385+2T>C is located in a canonical splice-site and is predicted to affect mRNA splicing resulting in a significantly altered protein due to either exon skipping, shortening, or inclusion of intronic material. Variants that disrupt the consensus splice site are a relatively common cause of aberrant splicing and loss of CTC1 function. Several computational tools predict a significant impact on normal splicing: Three predict the variant abolishes a 5' splicing donor site. One predicts the variant has no significant impact on splicing. However, these predictions have yet to be confirmed by functional studies. The variant was absent in 248672 control chromosomes. To our knowledge, no occurrence of c.2385+2T>C in individuals affected with Cerebroretinal Microangiopathy With Calcifications And Cysts 1 and no experimental evidence demonstrating its impact on protein function have been reported. ClinVar contains an entry for this variant (Variation ID: 1067575). Based on the evidence outlined above, the variant was classified as likely pathogenic.

Ambry Genetics
Classification: Uncertain significance for Inborn genetic diseases. Last evaluated: 2021-05-13. Review status: criteria provided, single submitter. Criteria: Ambry Variant Classification Scheme 2023. Collection method: clinical testing. Allele origin: germline.
Comment: The c.2385+2T>C intronic alteration consists of a T to C substitution nucleotides after coding exon 13 in the CTC1 gene. In silico splice site analysis predicts that this alteration will weaken the native splice donor site. Based on insufficient or conflicting evidence, the clinical significance of this alteration remains unclear.

Literature cited by the submitters: PubMed 16199547 (cited by Labcorp Genetics (formerly Invitae), Labcorp); PubMed 22267198 (cited by Labcorp Genetics (formerly Invitae), Labcorp); PubMed 22387016 (cited by Labcorp Genetics (formerly Invitae), Labcorp).

NM_025099.6(CTC1):c.2385+2T>C

Gene: CTC1 (CST telomere replication complex component 1; minus strand). Cytogenetic location: 17p13.1.
Variant type: single nucleotide variant.
Coding change: c.2385+2T>C on transcript NM_025099.6 (MANE Select); the canonical splice donor site of the intron after coding-DNA position 2385, T replaced by C.
Molecular consequence: splice donor variant.
Genome position (GRCh38, 1-based): chr17:8,231,901, A>G on the plus strand (T>C on the coding strand, the complement: CTC1 is on the minus strand). VCF-style: chr17-8231901-A-G. GRCh37 (hg19) VCF-style: chr17-8135219-A-G.
Other names: c.2385+2T>C (NM_001411067.1).
Identifiers: ClinVar variation 1067575 (VCV001067575.11), dbSNP rs1597378045, ClinGen allele CA397977010.